The following is an entry in ClinVar:

NM_000138.5(FBN1):c.8332del (p.Ile2777_Leu2778insTer)

Gene: FBN1 (fibrillin 1; minus strand). Cytogenetic location: 15q21.1.
Variant type: Deletion.
Coding change: c.8332del on transcript NM_000138.5 (MANE Select); coding-DNA position 8332, one base deleted (C; older notation c.8332delC).
Protein change: p.Ile2777_Leu2778insTer.
Molecular consequence: nonsense.
Genome position (GRCh38, 1-based): chr15:48,411,274, G deleted on the plus strand (C on the coding strand, the reverse complement: FBN1 is on the minus strand); the first of 2 consecutive G bases (chr15:48,411,274-48,411,275); deleting either gives the same sequence. VCF-style (leftmost placement, unchanged base first): chr15-48411273-AG-A. GRCh37 (hg19) VCF-style: chr15-48703470-AG-A.
Other names: c.8332del, p.Ile2777_Leu2778insTer (NM_001406716.1).
Identifiers: ClinVar variation 4785884 (VCV004785884.1).
Genomic context (GRCh38, chr15:48,411,273, plus strand): 5'-CCAGATTCGATCAAGTATCTGTTGTGATTCGTCAGAGTTGTAAGAGCTGGAAGGAGTTCT[AG>A]GATTCGAACCTTGTTACTGACGTGGGAAATATTGAAAGCAAAGATGGCTGTCTTCTCAAC-3'

ClinVar aggregate classification (germline): Pathogenic (1 of 4 stars; one submission).

Conditions:
Marfan syndrome (MFS). Also called: FBN1-Related Marfan Syndrome; MARFAN SYNDROME, TYPE I; Marfan syndrome type 1; Marfan's syndrome; Marfan syndrome, classic. Identifiers: Orphanet 284963, Orphanet 558, MedGen C0024796, MONDO:0007947, OMIM 154700.
Familial thoracic aortic aneurysm and aortic dissection (TAAD). Also called: Thoracic aortic aneurysms and dissections. Identifiers: Orphanet 91387, MedGen C4707243, MONDO:0019625.

Submission:

Labcorp Genetics (formerly Invitae), Labcorp
Classification: Pathogenic for Marfan syndrome; Familial thoracic aortic aneurysm and aortic dissection. Last evaluated: 2025-08-20. Review status: criteria provided, single submitter. Criteria: Invitae Variant Classification Sherloc (09022015). Collection method: clinical testing. Allele origin: germline.
Comment: This sequence change creates a premature translational stop signal (p.Leu2778*) in the FBN1 gene. While this is not anticipated to result in nonsense mediated decay, it is expected to disrupt the last 94 amino acid(s) of the FBN1 protein. This variant is not present in population databases (gnomAD no frequency). This variant has not been reported in the literature in individuals affected with FBN1-related conditions. This variant disrupts a region of the FBN1 protein in which other variant(s) (p.Met2864Lys) have been determined to be pathogenic (internal data). This suggests that this is a clinically significant region of the protein, and that variants that disrupt it are likely to be disease-causing. For these reasons, this variant has been classified as Pathogenic.